The following is an entry in ClinVar:

NM_001384140.1(PCDH15):c.4308GCC[6] (p.Pro1443_Gly1444insPro)

Gene: PCDH15 (protocadherin related 15; minus strand). Cytogenetic location: 10q21.1.
Variant type: Microsatellite.
Coding change: c.4308GCC[6] on transcript NM_001384140.1 (MANE Select); six copies in a row of the 3-base unit GCC starting at c.4308; the reference has five copies in a row; one copy, 3 bases duplicated.
Protein change: p.Pro1443_Gly1444insPro.
Molecular consequence: inframe insertion. On other transcripts: inframe indel (1).
Genome position (GRCh38, 1-based): chr10:53,827,438-53,827,440, GGC duplicated on the plus strand (GCC on the coding strand, the reverse complement: PCDH15 is on the minus strand); duplicating any 3 consecutive bases within chr10:53,827,438-53,827,454 gives the same sequence; the position shown is the placement nearest the transcript's 3' end. VCF-style (leftmost placement, unchanged base first): chr10-53827437-A-AGGC. GRCh37 (hg19) VCF-style: chr10-55587197-A-AGGC.
Other names: c.4308GCC[6], p.Pro1443_Gly1444insPro (NM_033056.4, NM_001354420.2, NM_001354429.2 and 3 more transcripts); c.4233GCC[6], p.Pro1418_Gly1419insPro (NM_001142773.2); c.4242GCC[6], p.Pro1421_Gly1422insPro (NM_001354404.2, NM_001142768.2); c.4329GCC[6], p.Pro1450_Gly1451insPro (NM_001354411.2); c.4323GCC[6], p.Pro1448_Gly1449insPro (NM_001142763.2, NM_001142771.2); c.4095GCC[6], p.Pro1372_Gly1373insPro (NM_001142765.2); c.4299GCC[6], p.Pro1440_Gly1441insPro (NM_001142766.2); c.4188GCC[6], p.Pro1403_Gly1404insPro (NM_001142767.2); and 2 more.
Identifiers: ClinVar variation 167428 (VCV000167428.15), dbSNP rs559130985, ClinGen allele CA234502.

ClinVar aggregate classification (germline): Conflicting classifications of pathogenicity. Review status: criteria provided, conflicting classifications (1 of 4 stars). 5 submissions from 5 submitters: Uncertain significance (1); Likely benign (2). 2 of the submissions do not count toward it. Last evaluated 2024-10-30.

Conditions:
Usher syndrome type 1F (USH1F). Also called: USHER SYNDROME, TYPE IF. Identifiers: Orphanet 231169, Orphanet 886, MedGen C1865885, MONDO:0011186, OMIM 602083.

Submissions (5):

Blueprint Genetics
Classification: Likely benign. Last evaluated: 2024-10-30. Review status: criteria provided, single submitter. Criteria: ACMG Guidelines, 2015. Collection method: clinical testing. Allele origin: germline.

Labcorp Genetics (formerly Invitae), Labcorp
Classification: Uncertain significance. Last evaluated: 2024-10-11. Review status: criteria provided, single submitter. Criteria: Invitae Variant Classification Sherloc (09022015). Collection method: clinical testing. Allele origin: germline.
Comment: This variant, c.4320_4322dup, results in the insertion of 1 amino acid(s) of the PCDH15 protein (p.Pro1443dup), but otherwise preserves the integrity of the reading frame. This variant is present in population databases (rs559130985, gnomAD 0.1%). This variant has not been reported in the literature in individuals affected with PCDH15-related conditions. ClinVar contains an entry for this variant (Variation ID: 167428). Experimental studies and prediction algorithms are not available or were not evaluated, and the functional significance of this variant is currently unknown. In summary, the available evidence is currently insufficient to determine the role of this variant in disease. Therefore, it has been classified as a Variant of Uncertain Significance.

GeneDx
Classification: Likely benign. Last evaluated: 2022-03-23. Review status: criteria provided, single submitter. Criteria: GeneDx Variant Classification Process June 2021. Collection method: clinical testing. Allele origin: germline. Affected: yes.

Natera, Inc.
Classification: Uncertain significance for Usher syndrome type 1F. Last evaluated: 2020-04-16. Review status: no assertion criteria provided. Collection method: clinical testing. Allele origin: germline. Not counted in ClinVar's aggregate classification.

Eurofins Ntd Llc (ga)
Classification: Uncertain significance. Last evaluated: 2014-02-25. Review status: no assertion criteria provided. Collection method: clinical testing. Allele origin: germline. Observed: 1 variant allele, 1 heterozygote. Not counted in ClinVar's aggregate classification.